The following is an entry in ClinVar:

NM_001854.4(COL11A1):c.2917-197C>G

Gene: COL11A1 (collagen type XI alpha 1 chain; minus strand). Cytogenetic location: 1p21.1.
Variant type: single nucleotide variant.
Coding change: c.2917-197C>G on transcript NM_001854.4 (MANE Select); 197 bases into the intron before coding-DNA position 2917, C replaced by G.
Molecular consequence: intron variant.
Genome position (GRCh38, 1-based): chr1:102,962,957, G>C on the plus strand (C>G on the coding strand, the complement: COL11A1 is on the minus strand). VCF-style: chr1-102962957-G-C. GRCh37 (hg19) VCF-style: chr1-103428513-G-C.
Other names: c.2800-197C>G (NM_001190709.2); c.2953-197C>G (NM_080629.3); c.2569-197C>G (NM_080630.4).
Identifiers: ClinVar variation 677837 (VCV000677837.1), dbSNP rs78602581, ClinGen allele CA27694638.
Genomic context (GRCh38, chr1:102,962,957, plus strand): 5'-CACATAAAGCACTGAAAGTAGCATATCAAGTAAGAGTCTAAAAAGATTTTATATAATCTT[G>C]GTTAGAATCTGAGTGTAAAAGGAAAGTACATAAATAAAGTCCAAAAAGATGTTTTCTTTG-3'

ClinVar aggregate classification (germline): Likely benign (1 of 4 stars; one submission).

Allele frequency attached by ClinVar (database versions not stated): gnomAD 0.01240 and 0.01316; TOPMed 0.01347; 1000 Genomes Project 0.01597; 1000 Genomes Project 30x 0.01640.
gnomAD v4.1: 1,865 of 152,246 alleles (1.2%); highest among the groups gnomAD compares: African/African-American, 4.2%; 46 homozygotes.

Submission:

GeneDx
Classification: Likely benign. Last evaluated: 2018-06-14. Review status: criteria provided, single submitter. Criteria: GeneDx Variant Classification (06012015). Collection method: clinical testing. Allele origin: germline. Affected: yes.
Comment: This variant is considered likely benign or benign based on one or more of the following criteria: it is a conservative change, it occurs at a poorly conserved position in the protein, it is predicted to be benign by multiple in silico algorithms, and/or has population frequency not consistent with disease.